The following is an entry in ClinVar:

NM_003060.4(SLC22A5):c.113C>G (p.Ser38Cys)

Gene: SLC22A5 (solute carrier family 22 member 5; plus strand). Cytogenetic location: 5q31.1.
Variant type: single nucleotide variant.
Coding change: c.113C>G on transcript NM_003060.4 (MANE Select); coding-DNA position 113, C replaced by G.
Protein change: p.Ser38Cys; replaces serine 38 with cysteine.
Molecular consequence: missense variant.
Genome position (GRCh38, 1-based): chr5:132,370,085, C>G. VCF-style: chr5-132370085-C-G. GRCh37 (hg19) VCF-style: chr5-131705777-C-G.
Other names: c.113C>G, p.Ser38Cys (NM_001308122.2); short protein forms S38C.
Identifiers: ClinVar variation 1911614 (VCV001911614.6), dbSNP rs369354736, ClinGen allele CA360802407.

ClinVar aggregate classification (germline): Conflicting classifications of pathogenicity. Review status: criteria provided, conflicting classifications (1 of 4 stars). 2 submissions from 2 submitters: Likely pathogenic (1); Uncertain significance (1). Last evaluated 2024-02-19.

Conditions:
Renal carnitine transport defect (CDSP). Also called: Systemic primary carnitine deficiency disease; Carnitine Deficiency, Systemic; CARNITINE DEFICIENCY, SYSTEMIC, DUE TO DEFECT IN RENAL REABSORPTION OF CARNITINE; CARNITINE TRANSPORTER, PLASMA-MEMBRANE, DEFICIENCY OF; CARNITINE UPTAKE DEFECT; Primary carnitine deficiency. Identifiers: Orphanet 158, MedGen C0342788, MONDO:0008919, OMIM 212140.

gnomAD v4.1: 2 of 1,612,824 alleles (0.00012%); highest among the groups gnomAD compares: East Asian, 0.0022%; no homozygotes.

Submissions (2):

Blueprint Genetics
Classification: Uncertain significance. Last evaluated: 2024-02-19. Review status: criteria provided, single submitter. Criteria: ACMG Guidelines, 2015. Collection method: clinical testing. Allele origin: germline.

Labcorp Genetics (formerly Invitae), Labcorp
Classification: Likely pathogenic for Renal carnitine transport defect. Last evaluated: 2022-09-10. Review status: criteria provided, single submitter. Criteria: Invitae Variant Classification Sherloc (09022015). Collection method: clinical testing. Allele origin: germline.
Comment: This variant is not present in population databases (gnomAD no frequency). In summary, the currently available evidence indicates that the variant is pathogenic, but additional data are needed to prove that conclusively. Therefore, this variant has been classified as Likely Pathogenic. This variant disrupts the p.Ser38 amino acid residue in SLC22A5. Other variant(s) that disrupt this residue have been determined to be pathogenic (Invitae). This suggests that this residue is clinically significant, and that variants that disrupt this residue are likely to be disease-causing. Advanced modeling of protein sequence and biophysical properties (such as structural, functional, and spatial information, amino acid conservation, physicochemical variation, residue mobility, and thermodynamic stability) performed at Invitae indicates that this missense variant is expected to disrupt SLC22A5 protein function. This variant has not been reported in the literature in individuals affected with SLC22A5-related conditions. This sequence change replaces serine, which is neutral and polar, with cysteine, which is neutral and slightly polar, at codon 38 of the SLC22A5 protein (p.Ser38Cys).